The following is an entry in ClinVar:

NM_001330360.2(POLA1):c.3881C>T (p.Thr1294Ile)

Gene: POLA1 (DNA polymerase alpha 1, catalytic subunit; plus strand). Cytogenetic location: Xp22.11.
Variant type: single nucleotide variant.
Coding change: c.3881C>T on transcript NM_001330360.2 (MANE Select); coding-DNA position 3881, C replaced by T.
Protein change: p.Thr1294Ile; replaces threonine 1294 with isoleucine.
Molecular consequence: missense variant. On other transcripts: non-coding transcript variant (2).
Genome position (GRCh38, 1-based): chrX:24,841,796, C>T. VCF-style: chrX-24841796-C-T. GRCh37 (hg19) VCF-style: chrX-24859913-C-T.
Other names: c.3806C>T, p.Thr1269Ile (NM_001378303.1); c.3863C>T, p.Thr1288Ile (NM_016937.4); short protein forms T1269I, T1288I, T1294I.
Identifiers: ClinVar variation 3032543 (VCV003032543.2), dbSNP rs2147061696, ClinGen allele CA412608232.

ClinVar aggregate classification (germline): Uncertain significance (0 of 4 stars; one submission).

Conditions:
POLA1-related disorder. Also called: POLA1-related condition.

Submission:

PreventionGenetics, part of Exact Sciences
Classification: Uncertain significance for POLA1-related condition. Last evaluated: 2023-12-19. Review status: no assertion criteria provided. Collection method: clinical testing. Allele origin: germline.
Comment: The POLA1 c.3863C>T variant is predicted to result in the amino acid substitution p.Thr1288Ile. To our knowledge, this variant has not been reported in the literature or in a large population database, indicating this variant is rare. At this time, the clinical significance of this variant is uncertain due to the absence of conclusive functional and genetic evidence.